The following is an entry in ClinVar:

NM_024537.4(CARS2):c.1629A>C (p.Arg543Ser)

Gene: CARS2 (cysteinyl-tRNA synthetase 2, mitochondrial; minus strand). Cytogenetic location: 13q34.
Variant type: single nucleotide variant.
Coding change: c.1629A>C on transcript NM_024537.4 (MANE Select); coding-DNA position 1629, A replaced by C.
Protein change: p.Arg543Ser; replaces arginine 543 with serine.
Molecular consequence: missense variant. On other transcripts: non-coding transcript variant (2).
Genome position (GRCh38, 1-based): chr13:110,641,603, T>G on the plus strand (A>C on the coding strand, the complement: CARS2 is on the minus strand). VCF-style: chr13-110641603-T-G. GRCh37 (hg19) VCF-style: chr13-111293950-T-G.
Other names: c.843A>C, p.Arg281Ser (NM_001352252.2); short protein forms R543S, R281S.
Identifiers: ClinVar variation 638459 (VCV000638459.10), dbSNP rs1594195081, ClinGen allele CA388739183.

ClinVar aggregate classification (germline): Uncertain significance. Review status: criteria provided, multiple submitters, no conflicts (2 of 4 stars). 2 submissions from 2 submitters: Uncertain significance (2). Last evaluated 2021-04-01.

Conditions:
Combined oxidative phosphorylation defect type 27. Also called: Combined oxidative phosphorylation deficiency 27. Identifiers: Orphanet 477774, MedGen C5567608, MONDO:0014728, OMIM 616672.

Allele frequency attached by ClinVar (database versions not stated): gnomAD exomes below 0.00001.
gnomAD v4.1: 1 of 1,613,560 alleles (0.000062%); highest among the groups gnomAD compares: Non-Finnish European, 0.000085%; no homozygotes.

Submissions (2):

Labcorp Genetics (formerly Invitae), Labcorp
Classification: Uncertain significance for Combined oxidative phosphorylation defect type 27. Last evaluated: 2021-04-01. Review status: criteria provided, single submitter. Criteria: Invitae Variant Classification Sherloc (09022015). Collection method: clinical testing. Allele origin: germline.
Comment: In summary, the available evidence is currently insufficient to determine the role of this variant in disease. Therefore, it has been classified as a Variant of Uncertain Significance. Algorithms developed to predict the effect of missense changes on protein structure and function (SIFT, PolyPhen-2, Align-GVGD) all suggest that this variant is likely to be disruptive, but these predictions have not been confirmed by published functional studies and their clinical significance is uncertain. This variant has not been reported in the literature in individuals with CARS2-related conditions. ClinVar contains an entry for this variant (Variation ID: 638459). This variant is not present in population databases (ExAC no frequency). This sequence change replaces arginine with serine at codon 543 of the CARS2 protein (p.Arg543Ser). The arginine residue is highly conserved and there is a moderate physicochemical difference between arginine and serine.

Genomic Research Center, Shahid Beheshti University of Medical Sciences
Classification: Uncertain significance for Combined oxidative phosphorylation deficiency 27. Last evaluated: 2019-04-27. Review status: criteria provided, single submitter. Criteria: ACMG Guidelines, 2015. Collection method: clinical testing. Allele origin: inherited. Affected: yes.